The following is an entry in ClinVar:

NM_152309.3(PIK3AP1):c.1514A>G (p.His505Arg)

Gene: PIK3AP1 (phosphoinositide-3-kinase adaptor protein 1; minus strand). Cytogenetic location: 10q24.1.
Variant type: single nucleotide variant.
Coding change: c.1514A>G on transcript NM_152309.3 (MANE Select); coding-DNA position 1514, A replaced by G.
Protein change: p.His505Arg; replaces histidine 505 with arginine.
Molecular consequence: missense variant.
Genome position (GRCh38, 1-based): chr10:96,626,863, T>C on the plus strand (A>G on the coding strand, the complement: PIK3AP1 is on the minus strand). VCF-style: chr10-96626863-T-C. GRCh37 (hg19) VCF-style: chr10-98386620-T-C.
Other names: short protein forms H505R.
Identifiers: ClinVar variation 1505959 (VCV001505959.8), dbSNP rs367935657, ClinGen allele CA5626227.
Genomic context (GRCh38, chr10:96,626,863, plus strand): 5'-TCCACAGAAAAGGCCTCATCGTCATCCACCGTGTGATAAACATCTTCTTCCTGACCAAGA[T>C]GGCACTGATCTCTCTCCAGATTGGTCATTCCCATGCTGTTGCCTAGAAACGCAGAGAAAG-3'
Protein context (NP_689522.2, residues 495-515): GMTNLERDQC[His505Arg]LGQEEDVYHT

ClinVar aggregate classification (germline): Uncertain significance (1 of 4 stars; one submission).

Conditions:
Infantile spasms. Also called: Infantile spasm. Identifiers: MedGen C3887898, HP:0012469.

Allele frequency attached by ClinVar (database versions not stated): ExAC 0.00002; gnomAD exomes 0.00003 and 0.00009; TOPMed 0.00004; gnomAD 0.00006; ESP Exome Variant Server 0.00008; 1000 Genomes Project 30x 0.00016; 1000 Genomes Project 0.00020.
gnomAD v4.1: 142 of 1,614,262 alleles (0.0088%); highest among the groups gnomAD compares: Non-Finnish European, 0.011%; no homozygotes.

Submission:

Labcorp Genetics (formerly Invitae), Labcorp
Classification: Uncertain significance for Infantile spasms. Last evaluated: 2024-10-21. Review status: criteria provided, single submitter. Criteria: Invitae Variant Classification Sherloc (09022015). Collection method: clinical testing. Allele origin: germline.
Comment: This sequence change replaces histidine, which is basic and polar, with arginine, which is basic and polar, at codon 505 of the PIK3AP1 protein (p.His505Arg). This variant is present in population databases (rs367935657, gnomAD 0.02%). This variant has not been reported in the literature in individuals affected with PIK3AP1-related conditions. ClinVar contains an entry for this variant (Variation ID: 1505959). An algorithm developed to predict the effect of missense changes on protein structure and function outputs the following: PolyPhen-2: "Benign". The arginine amino acid residue is found in multiple mammalian species, which suggests that this missense change does not adversely affect protein function. In summary, the available evidence is currently insufficient to determine the role of this variant in disease. Therefore, it has been classified as a Variant of Uncertain Significance.